The following is an entry in ClinVar:

NM_001085411.3(NADK2):c.397G>A (p.Gly133Arg)

Gene: NADK2 (NAD kinase 2, mitochondrial; minus strand). Cytogenetic location: 5p13.2.
Variant type: single nucleotide variant.
Coding change: c.397G>A on transcript NM_001085411.3 (MANE Select); coding-DNA position 397, G replaced by A.
Protein change: p.Gly133Arg; replaces glycine 133 with arginine.
Molecular consequence: missense variant. On other transcripts: 5 prime UTR variant (3).
Genome position (GRCh38, 1-based): chr5:36,226,556, C>T on the plus strand (G>A on the coding strand, the complement: NADK2 is on the minus strand). VCF-style: chr5-36226556-C-T. GRCh37 (hg19) VCF-style: chr5-36226658-C-T.
Other names: c.-93G>A (NM_001287340.2, NM_001287341.2, NM_153013.5); short protein forms G133R.
Identifiers: ClinVar variation 2229616 (VCV002229616.2), dbSNP rs1747491624, ClinGen allele CA359444572.

ClinVar aggregate classification (germline): Uncertain significance (1 of 4 stars; one submission).

Conditions:
Inborn genetic diseases. Identifiers: MedGen C0950123, MeSH D030342.

Allele frequency attached by ClinVar (database versions not stated): gnomAD 0.00001.
gnomAD v4.1: 1 of 1,610,718 alleles (0.000062%); highest among the groups gnomAD compares: South Asian, 0.0011%; no homozygotes.

Submission:

Ambry Genetics
Classification: Uncertain significance for Inborn genetic diseases. Last evaluated: 2021-03-09. Review status: criteria provided, single submitter. Criteria: Ambry Variant Classification Scheme 2023. Collection method: clinical testing. Allele origin: germline.
Comment: The c.397G>A (p.G133R) alteration is located in exon 3 (coding exon 3) of the NADK2 gene. This alteration results from a G to A substitution at nucleotide position 397, causing the glycine (G) at amino acid position 133 to be replaced by an arginine (R). The p.G133R alteration is predicted to be tolerated by in silico analysis. Based on insufficient or conflicting evidence, the clinical significance of this alteration remains unclear.